The following is an entry in ClinVar:

NM_001004334.4(GPR179):c.5821G>C (p.Glu1941Gln)

Gene: GPR179 (G protein-coupled receptor 179; minus strand). Cytogenetic location: 17q12.
Variant type: single nucleotide variant.
Coding change: c.5821G>C on transcript NM_001004334.4 (MANE Select); coding-DNA position 5821, G replaced by C.
Protein change: p.Glu1941Gln; replaces glutamic acid 1941 with glutamine.
Molecular consequence: missense variant.
Genome position (GRCh38, 1-based): chr17:38,327,748, C>G on the plus strand (G>C on the coding strand, the complement: GPR179 is on the minus strand). VCF-style: chr17-38327748-C-G. GRCh37 (hg19) VCF-style: chr17-36483631-C-G.
Other names: short protein forms E1941Q.
Identifiers: ClinVar variation 1406049 (VCV001406049.8), dbSNP rs377617935, ClinGen allele CA290103318.

ClinVar aggregate classification (germline): Uncertain significance (1 of 4 stars; one submission).

Allele frequency attached by ClinVar (database versions not stated): gnomAD exomes below 0.00001; ExAC 0.00001; gnomAD 0.00001; TOPMed 0.00002; ESP Exome Variant Server 0.00008.
gnomAD v4.1: 11 of 1,614,028 alleles (0.00068%); highest among the groups gnomAD compares: African/African-American, 0.0093%; no homozygotes.

Submission:

Labcorp Genetics (formerly Invitae), Labcorp
Classification: Uncertain significance. Last evaluated: 2022-03-10. Review status: criteria provided, single submitter. Criteria: Invitae Variant Classification Sherloc (09022015). Collection method: clinical testing. Allele origin: germline.
Comment: In summary, the available evidence is currently insufficient to determine the role of this variant in disease. Therefore, it has been classified as a Variant of Uncertain Significance. Algorithms developed to predict the effect of missense changes on protein structure and function output the following: SIFT: "Deleterious"; PolyPhen-2: "Benign"; Align-GVGD: "Class C0". The glutamine amino acid residue is found in multiple mammalian species, which suggests that this missense change does not adversely affect protein function. This variant has not been reported in the literature in individuals affected with GPR179-related conditions. This variant is present in population databases (rs377617935, gnomAD 0.007%). This sequence change replaces glutamic acid, which is acidic and polar, with glutamine, which is neutral and polar, at codon 1941 of the GPR179 protein (p.Glu1941Gln).